The following is an entry in ClinVar:

ClinVar aggregate classification (germline): Uncertain significance. Review status: criteria provided, multiple submitters, no conflicts (2 of 4 stars). 3 submissions from 3 submitters: Uncertain significance (3). Last evaluated 2026-05-09.

Conditions:
PCNT-related disorder. Also called: PCNT-related condition.
Microcephalic osteodysplastic primordial dwarfism type II (MOPD2). Also called: OSTEODYSPLASTIC PRIMORDIAL DWARFISM, TYPE II; Microcephalic osteodysplastic primordial dwarfism with tooth abnormalities; MOPD II. Identifiers: Orphanet 2637, MedGen C0432246, MONDO:0008872, OMIM 210720.

Allele frequency attached by ClinVar (database versions not stated): TOPMed 0.00001; ExAC 0.00003; gnomAD exomes 0.00003 and 0.00004.
gnomAD v4.1: 23 of 1,614,064 alleles (0.0014%); highest among the groups gnomAD compares: Non-Finnish European, 0.0019%; no homozygotes.

Submissions (3):

PreventionGenetics, part of Exact Sciences
Classification: Uncertain significance for PCNT-related condition. Last evaluated: 2026-05-09. Review status: criteria provided, single submitter. Criteria: ACMG Guidelines, 2015. Collection method: clinical testing. Allele origin: germline.
Comment: The PCNT c.2647A>G variant is predicted to result in the amino acid substitution p.Ser883Gly. To our knowledge, this variant has not been reported in the literature. This variant is reported in 0.0062% of alleles in individuals of European (Non-Finnish) descent in gnomAD. At this time, the clinical significance of this variant is uncertain due to the absence of conclusive functional and genetic evidence.

Labcorp Genetics (formerly Invitae), Labcorp
Classification: Uncertain significance. Last evaluated: 2022-02-04. Review status: criteria provided, single submitter. Criteria: Invitae Variant Classification Sherloc (09022015). Collection method: clinical testing. Allele origin: germline.
Comment: This sequence change replaces serine, which is neutral and polar, with glycine, which is neutral and non-polar, at codon 883 of the PCNT protein (p.Ser883Gly). This variant is present in population databases (rs771897801, gnomAD 0.008%). This variant has not been reported in the literature in individuals affected with PCNT-related conditions. ClinVar contains an entry for this variant (Variation ID: 340478). Algorithms developed to predict the effect of missense changes on protein structure and function (SIFT, PolyPhen-2, Align-GVGD) all suggest that this variant is likely to be tolerated. In summary, the available evidence is currently insufficient to determine the role of this variant in disease. Therefore, it has been classified as a Variant of Uncertain Significance.

Illumina Laboratory Services, Illumina
Classification: Uncertain significance for Microcephalic osteodysplastic primordial dwarfism type II. Last evaluated: 2018-01-12. Review status: criteria provided, single submitter. Criteria: ICSL Variant Classification Criteria 13 December 2019. Collection method: clinical testing. Allele origin: germline.

NM_006031.6(PCNT):c.2647A>G (p.Ser883Gly)

Gene: PCNT (pericentrin; plus strand). Cytogenetic location: 21q22.3.
Variant type: single nucleotide variant.
Coding change: c.2647A>G on transcript NM_006031.6 (MANE Select); coding-DNA position 2647, A replaced by G.
Protein change: p.Ser883Gly; replaces serine 883 with glycine.
Molecular consequence: missense variant.
Genome position (GRCh38, 1-based): chr21:46,366,621, A>G. VCF-style: chr21-46366621-A-G. GRCh37 (hg19) VCF-style: chr21-47786536-A-G.
Other names: c.2293A>G, p.Ser765Gly (NM_001315529.2); short protein forms S883G, S765G.
Identifiers: ClinVar variation 340478 (VCV000340478.10), dbSNP rs771897801, ClinGen allele CA10079061.